The following is an entry in ClinVar:

NM_001035.3(RYR2):c.4275+249T>G

Gene: RYR2 (ryanodine receptor 2; plus strand). Cytogenetic location: 1q43.
Variant type: single nucleotide variant.
Coding change: c.4275+249T>G on transcript NM_001035.3 (MANE Select); 249 bases into the intron after coding-DNA position 4275, T replaced by G.
Molecular consequence: intron variant.
Genome position (GRCh38, 1-based): chr1:237,592,102, T>G. VCF-style: chr1-237592102-T-G. GRCh37 (hg19) VCF-style: chr1-237755402-T-G.
Identifiers: ClinVar variation 671202 (VCV000671202.1), dbSNP rs2618714, ClinGen allele CA10962977.

ClinVar aggregate classification (germline): Benign (1 of 4 stars; one submission).

Allele frequency attached by ClinVar (database versions not stated): 1000 Genomes Project 30x 0.33463; 1000 Genomes Project 0.33746; TOPMed 0.39479; gnomAD 0.40091.
gnomAD v4.1: 60,416 of 152,074 alleles (40%); highest among the groups gnomAD compares: Admixed American, 50%; 13,471 homozygotes.

Submission:

GeneDx
Classification: Benign. Last evaluated: 2018-06-15. Review status: criteria provided, single submitter. Criteria: GeneDx Variant Classification (06012015). Collection method: clinical testing. Allele origin: germline. Affected: yes.
Comment: This variant is considered likely benign or benign based on one or more of the following criteria: it is a conservative change, it occurs at a poorly conserved position in the protein, it is predicted to be benign by multiple in silico algorithms, and/or has population frequency not consistent with disease.